The following is an entry in ClinVar:

ClinVar aggregate classification (germline): Pathogenic. Review status: criteria provided, multiple submitters, no conflicts (2 of 4 stars). 2 submissions from 2 submitters: Pathogenic (2). Last evaluated 2025-01-09.

Submissions (2):

Revvity Omics, Revvity
Classification: Pathogenic. Last evaluated: 2025-01-09. Review status: criteria provided, single submitter. Criteria: ACMG Guidelines, 2015. Collection method: clinical testing. Allele origin: germline.

GeneDx
Classification: Pathogenic. Last evaluated: 2024-11-12. Review status: criteria provided, single submitter. Criteria: GeneDx Variant Classification Process June 2021. Collection method: clinical testing. Allele origin: germline. Affected: yes.
Comment: Frameshift variant predicted to result in protein truncation or nonsense mediated decay in a gene for which loss of function is a known mechanism of disease; Not observed at significant frequency in large population cohorts (gnomAD); This variant is associated with the following publications: (PMID: 27750387, 30816495, 39198981, 31165590, 33843695)

NM_004006.3(DMD):c.1860_1861del (p.Tyr621fs)

Gene: DMD (dystrophin; minus strand). Cytogenetic location: Xp21.1.
Variant type: Deletion.
Coding change: c.1860_1861del on transcript NM_004006.3 (MANE Select); coding-DNA positions 1860 to 1861, 2 bases deleted (GT; older notation c.1860_1861delGT).
Protein change: p.Tyr621fs; shifts the reading frame from tyrosine 621.
Molecular consequence: frameshift variant.
Genome position (GRCh38, 1-based): chrX:32,565,833-32,565,834, AC deleted on the plus strand (GT on the coding strand, the reverse complement: DMD is on the minus strand); deleting any 2 consecutive bases within chrX:32,565,833-32,565,835 gives the same sequence; the c. name uses the placement nearest the transcript's 3' end. VCF-style (leftmost placement, unchanged base first): chrX-32565832-TAC-T. GRCh37 (hg19) VCF-style: chrX-32583949-TAC-T.
Other names: c.1836_1837del, p.Tyr613fs (NM_000109.4); c.1859_1860delTG, p.Tyr621Phefs (NM_004006.2); c.1848_1849del, p.Tyr617fs (NM_004009.3); c.1491_1492del, p.Tyr498fs (NM_004010.3); short protein forms Y498fs, Y613fs, Y617fs, Y621fs.
Identifiers: ClinVar variation 3898848 (VCV003898848.2).